The following is an entry in ClinVar:

ClinVar aggregate classification (germline): Conflicting classifications of pathogenicity. Review status: criteria provided, conflicting classifications (1 of 4 stars). 2 submissions from 2 submitters: Uncertain significance (1); Likely benign (1). Last evaluated 2026-06-03.

Conditions:
Renal cell carcinoma. Identifiers: Orphanet 217071, MedGen C0007134, MeSH D002292, MONDO:0005086, HP:0005584.
Hereditary cancer-predisposing syndrome. Also called: Tumor predisposition; Neoplastic Syndromes, Hereditary; Hereditary Cancer Syndrome; Hereditary neoplastic syndrome. Identifiers: Orphanet 140162, MedGen C0027672, MeSH D009386, MONDO:0015356.

Allele frequency attached by ClinVar (database versions not stated): gnomAD exomes below 0.00001.
gnomAD v4.1: 1 of 1,614,052 alleles (0.000062%); highest among the groups gnomAD compares: Admixed American, 0.0017%; no homozygotes.

Submissions (2):

Ambry Genetics
Classification: Likely benign for Hereditary cancer-predisposing syndrome. Last evaluated: 2026-06-03. Review status: criteria provided, single submitter. Criteria: Ambry Variant Classification Scheme 2023. Collection method: clinical testing. Allele origin: germline.

Labcorp Genetics (formerly Invitae), Labcorp
Classification: Uncertain significance for Renal cell carcinoma. Last evaluated: 2024-09-22. Review status: criteria provided, single submitter. Criteria: Invitae Variant Classification Sherloc (09022015). Collection method: clinical testing. Allele origin: germline.
Comment: This sequence change replaces asparagine, which is neutral and polar, with serine, which is neutral and polar, at codon 199 of the MET protein (p.Asn199Ser). This variant is present in population databases (no rsID available, gnomAD 0.003%). This variant has not been reported in the literature in individuals affected with MET-related conditions. ClinVar contains an entry for this variant (Variation ID: 1489680). Invitae Evidence Modeling of protein sequence and biophysical properties (such as structural, functional, and spatial information, amino acid conservation, physicochemical variation, residue mobility, and thermodynamic stability) indicates that this missense variant is not expected to disrupt MET protein function with a negative predictive value of 80%. In summary, the available evidence is currently insufficient to determine the role of this variant in disease. Therefore, it has been classified as a Variant of Uncertain Significance.

NM_000245.4(MET):c.596A>G (p.Asn199Ser)

Gene: MET (MET proto-oncogene, receptor tyrosine kinase; plus strand). Cytogenetic location: 7q31.2.
Variant type: single nucleotide variant.
Coding change: c.596A>G on transcript NM_000245.4 (MANE Select); coding-DNA position 596, A replaced by G.
Protein change: p.Asn199Ser; replaces asparagine 199 with serine.
Molecular consequence: missense variant. On other transcripts: intron variant (1).
Genome position (GRCh38, 1-based): chr7:116,699,680, A>G. VCF-style: chr7-116699680-A-G. GRCh37 (hg19) VCF-style: chr7-116339734-A-G.
Other names: c.596A>G, p.Asn199Ser (NM_001127500.3, NM_001324401.3); c.-91+27103A>G (NM_001324402.2); c.596A>G (NM_001127500.1); short protein forms N199S.
Identifiers: ClinVar variation 1489680 (VCV001489680.10), dbSNP rs1342574948, ClinGen allele CA368969425.